The following is an entry in ClinVar:

ClinVar aggregate classification (germline): Uncertain significance. Review status: criteria provided, multiple submitters, no conflicts (2 of 4 stars). 3 submissions from 3 submitters: Uncertain significance (3). Last evaluated 2023-12-12.

Conditions:
Inherited prion disease. Identifiers: Orphanet 280400, MedGen C5679775, MONDO:0017234.

Allele frequency attached by ClinVar (database versions not stated): TOPMed 0.00001; gnomAD 0.00003.
gnomAD v4.1: 8 of 1,613,884 alleles (0.0005%); highest among the groups gnomAD compares: African/African-American, 0.0027%; no homozygotes.

Submissions (3):

GeneDx
Classification: Uncertain significance. Last evaluated: 2023-12-12. Review status: criteria provided, single submitter. Criteria: GeneDx Variant Classification Process June 2021. Collection method: clinical testing. Allele origin: germline. Affected: yes.
Comment: Not observed at significant frequency in large population cohorts (gnomAD); In silico analysis supports that this missense variant does not alter protein structure/function; This variant is associated with the following publications: (PMID: 19812771, 31340582, 30934971, 35768878, 30606247)

Women's Health and Genetics/Laboratory Corporation of America, LabCorp
Classification: Uncertain significance. Last evaluated: 2023-01-18. Review status: criteria provided, single submitter. Criteria: LabCorp Variant Classification Summary - May 2015. Collection method: clinical testing. Allele origin: germline.
Comment: Variant summary: PRNP c.565G>A (p.Val189Ile) results in a conservative amino acid change located in the Prion/Doppel protein, beta-ribbon domain (IPR022416) of the encoded protein sequence. Five of five in-silico tools predict a benign effect of the variant on protein function. The variant was absent in 251462 control chromosomes (gnomAD). The available data on variant occurrences in the general population are insufficient to allow any conclusion about variant significance. c.565G>A has been reported in the literature in individuals affected with Creutzfeldt-Jakob disease (Di Fede_2019). This report does not provide unequivocal conclusions about association of the variant with PRNP-Related Disorders. To our knowledge, no experimental evidence demonstrating an impact on protein function has been reported, however, sequence alignment studies using prion disease-resistant and prion disease-prone species have indicated that V189 may impact prion protein stability (Kedarisetti_2008). One ClinVar submitter has assessed the variant since 2014: the variant was classified as uncertain significance. Based on the evidence outlined above, the variant was classified as VUS-possibly pathogenic.

Illumina Laboratory Services, Illumina
Classification: Uncertain significance for Genetic prion diseases. Last evaluated: 2017-04-27. Review status: criteria provided, single submitter. Criteria: ICSL Variant Classification Criteria 13 December 2019. Collection method: clinical testing. Allele origin: germline.
Comment: This variant was observed as part of a predisposition screen in an ostensibly healthy population. A literature search was performed for the gene, cDNA change, and amino acid change (where applicable). Publications were found based on this search. However, the evidence from the literature, in combination with allele frequency data from public databases where available, was not sufficient to rule this variant in or out of causing disease. Therefore, this variant is classified as a variant of unknown significance.

Literature cited by the submitters: PubMed 30606247 (cited by Women's Health and Genetics/Laboratory Corporation of America, LabCorp); PubMed 19812771 (cited by Women's Health and Genetics/Laboratory Corporation of America, LabCorp and Illumina Laboratory Services, Illumina).

NM_000311.5(PRNP):c.565G>A (p.Val189Ile)

Gene: PRNP (prion protein (Kanno blood group); plus strand). Cytogenetic location: 20p13.
Variant type: single nucleotide variant.
Coding change: c.565G>A on transcript NM_000311.5 (MANE Select); coding-DNA position 565, G replaced by A.
Protein change: p.Val189Ile; replaces valine 189 with isoleucine.
Molecular consequence: missense variant. On other transcripts: 3 prime UTR variant (1).
Genome position (GRCh38, 1-based): chr20:4,699,785, G>A. VCF-style: chr20-4699785-G-A. GRCh37 (hg19) VCF-style: chr20-4680431-G-A.
Other names: c.565G>A, p.Val189Ile (NM_001080121.3, NM_001080122.3, NM_001080123.3 and 1 more transcripts); c.*254G>A (NM_001271561.3); short protein forms V189I.
Identifiers: ClinVar variation 896504 (VCV000896504.8), dbSNP rs1178466848, ClinGen allele CA408152638.